The following is an entry in ClinVar:

NM_020529.3(NFKBIA):c.842C>T (p.Pro281Leu)

Gene: NFKBIA (NFKB inhibitor alpha; minus strand). Cytogenetic location: 14q13.2.
Variant type: single nucleotide variant.
Coding change: c.842C>T on transcript NM_020529.3 (MANE Select); coding-DNA position 842, C replaced by T.
Protein change: p.Pro281Leu; replaces proline 281 with leucine.
Molecular consequence: missense variant.
Genome position (GRCh38, 1-based): chr14:35,402,458, G>A on the plus strand (C>T on the coding strand, the complement: NFKBIA is on the minus strand). VCF-style: chr14-35402458-G-A. GRCh37 (hg19) VCF-style: chr14-35871664-G-A.
Other names: short protein forms P281L.
Identifiers: ClinVar variation 1713918 (VCV001713918.6), dbSNP rs2502181270, ClinGen allele CA389451982.

ClinVar aggregate classification (germline): Uncertain significance (1 of 4 stars; one submission).

Conditions:
Ectodermal dysplasia and immunodeficiency 2. Identifiers: Orphanet 238468, Orphanet 98813, MedGen C2677481, MONDO:0012806, OMIM 612132.

Submission:

Labcorp Genetics (formerly Invitae), Labcorp
Classification: Uncertain significance for Ectodermal dysplasia and immunodeficiency 2. Last evaluated: 2022-07-27. Review status: criteria provided, single submitter. Criteria: Invitae Variant Classification Sherloc (09022015). Collection method: clinical testing. Allele origin: germline.
Comment: In summary, the available evidence is currently insufficient to determine the role of this variant in disease. Therefore, it has been classified as a Variant of Uncertain Significance. Algorithms developed to predict the effect of missense changes on protein structure and function (SIFT, PolyPhen-2, Align-GVGD) all suggest that this variant is likely to be disruptive. This variant has not been reported in the literature in individuals affected with NFKBIA-related conditions. This variant is not present in population databases (gnomAD no frequency). This sequence change replaces proline, which is neutral and non-polar, with leucine, which is neutral and non-polar, at codon 281 of the NFKBIA protein (p.Pro281Leu).